The following is an entry in ClinVar:

ClinVar aggregate classification (germline): Uncertain significance. Review status: criteria provided, multiple submitters, no conflicts (2 of 4 stars). 2 submissions from 2 submitters: Uncertain significance (2). Last evaluated 2023-11-15.

Submissions (2):

Labcorp Genetics (formerly Invitae), Labcorp
Classification: Uncertain significance. Last evaluated: 2023-11-15. Review status: criteria provided, single submitter. Criteria: Invitae Variant Classification Sherloc (09022015). Collection method: clinical testing. Allele origin: germline.
Comment: This sequence change replaces leucine, which is neutral and non-polar, with arginine, which is basic and polar, at codon 59 of the RHO protein (p.Leu59Arg). This variant is not present in population databases (gnomAD no frequency). This variant has not been reported in the literature in individuals affected with RHO-related conditions. ClinVar contains an entry for this variant (Variation ID: 1308718). Advanced modeling of protein sequence and biophysical properties (such as structural, functional, and spatial information, amino acid conservation, physicochemical variation, residue mobility, and thermodynamic stability) performed at Invitae indicates that this missense variant is expected to disrupt RHO protein function with a positive predictive value of 80%. This variant disrupts the p.Leu59 amino acid residue in RHO. Other variant(s) that disrupt this residue have been determined to be pathogenic (PMID: 28559085; Invitae). This suggests that this residue is clinically significant, and that variants that disrupt this residue are likely to be disease-causing. In summary, the available evidence is currently insufficient to determine the role of this variant in disease. Therefore, it has been classified as a Variant of Uncertain Significance.

GeneDx
Classification: Uncertain significance. Last evaluated: 2019-10-10. Review status: criteria provided, single submitter. Criteria: GeneDx Variant Classification Process June 2021. Collection method: clinical testing. Allele origin: germline. Affected: yes.
Comment: Not observed in large population cohorts (Lek et al., 2016); In silico analysis, which includes protein predictors and evolutionary conservation, supports a deleterious effect; Has not been previously published as pathogenic or benign to our knowledge; A different missense change at this residue (L59H) has been reported in published literature in association with retinitis pigmentosa (Stone et al., 2017)

Literature cited by the submitters: PubMed 28559085 (cited by Labcorp Genetics (formerly Invitae), Labcorp).

NM_000539.3(RHO):c.176T>G (p.Leu59Arg)

Gene: RHO (rhodopsin; plus strand). Cytogenetic location: 3q22.1.
Variant type: single nucleotide variant.
Coding change: c.176T>G on transcript NM_000539.3 (MANE Select); coding-DNA position 176, T replaced by G.
Protein change: p.Leu59Arg; replaces leucine 59 with arginine.
Molecular consequence: missense variant.
Genome position (GRCh38, 1-based): chr3:129,528,909, T>G. VCF-style: chr3-129528909-T-G. GRCh37 (hg19) VCF-style: chr3-129247752-T-G.
Other names: short protein forms L59R.
Identifiers: ClinVar variation 1308718 (VCV001308718.5), dbSNP rs2108749238, ClinGen allele CA354496062.